The following is an entry in ClinVar:

NM_006796.3(AFG3L2):c.1426+9A>T

Gene: AFG3L2 (AFG3 like matrix AAA peptidase subunit 2; minus strand). Cytogenetic location: 18p11.21.
Variant type: single nucleotide variant.
Coding change: c.1426+9A>T on transcript NM_006796.3 (MANE Select); 9 bases into the intron after coding-DNA position 1426, A replaced by T.
Molecular consequence: intron variant.
Genome position (GRCh38, 1-based): chr18:12,351,297, T>A on the plus strand (A>T on the coding strand, the complement: AFG3L2 is on the minus strand). VCF-style: chr18-12351297-T-A. GRCh37 (hg19) VCF-style: chr18-12351296-T-A.
Identifiers: ClinVar variation 326106 (VCV000326106.6), dbSNP rs377339236, ClinGen allele CA8896507.

ClinVar aggregate classification (germline): Likely benign. Review status: criteria provided, multiple submitters, no conflicts (2 of 4 stars). 3 submissions from 3 submitters: Likely benign (3). Last evaluated 2024-10-18.

Conditions:
Spinocerebellar ataxia type 28 (SCA28). Also called: Spinocerebellar Ataxia Type 28 (SCA28). Identifiers: Orphanet 101109, MedGen C1853249, MONDO:0012450, OMIM 610246.

Allele frequency attached by ClinVar (database versions not stated): TOPMed 0.00005; gnomAD 0.00006 and 0.00007; gnomAD exomes 0.00006 and 0.00012; ExAC 0.00007; ESP Exome Variant Server 0.00023.
gnomAD v4.1: 174 of 1,613,994 alleles (0.011%); highest among the groups gnomAD compares: Non-Finnish European, 0.014%; no homozygotes.

Submissions (3):

Blueprint Genetics
Classification: Likely benign. Last evaluated: 2024-10-18. Review status: criteria provided, single submitter. Criteria: ACMG Guidelines, 2015. Collection method: clinical testing. Allele origin: germline.

Illumina Laboratory Services, Illumina
Classification: Likely benign for Spinocerebellar ataxia type 28. Last evaluated: 2018-01-12. Review status: criteria provided, single submitter. Criteria: ICSL Variant Classification Criteria 13 December 2019. Collection method: clinical testing. Allele origin: germline.
Comment: This variant was observed in the ICSL laboratory as part of a predisposition screen in an ostensibly healthy population. It had not been previously curated by ICSL or reported in the Human Gene Mutation Database (HGMD: prior to June 1st, 2018), and was therefore a candidate for classification through an automated scoring system. Utilizing variant allele frequency, disease prevalence and penetrance estimates, and inheritance mode, an automated score was calculated to assess if this variant is too frequent to cause the disease. Based on the score and internal cut-off values, a variant classified as likely benign is not then subjected to further curation. The score for this variant resulted in a classification of likely benign for this disease.

GeneDx
Classification: Likely benign. Last evaluated: 2017-06-01. Review status: criteria provided, single submitter. Criteria: GeneDx Variant Classification (06012015). Collection method: clinical testing. Allele origin: germline. Affected: yes.
Comment: This variant is considered likely benign or benign based on one or more of the following criteria: it is a conservative change, it occurs at a poorly conserved position in the protein, it is predicted to be benign by multiple in silico algorithms, and/or has population frequency not consistent with disease.